The following is an entry in ClinVar:

NM_004036.5(ADCY3):c.2539T>C (p.Phe847Leu)

Gene: ADCY3 (adenylate cyclase 3; minus strand). Cytogenetic location: 2p23.3.
Variant type: single nucleotide variant.
Coding change: c.2539T>C on transcript NM_004036.5 (MANE Select); coding-DNA position 2539, T replaced by C.
Protein change: p.Phe847Leu; replaces phenylalanine 847 with leucine.
Molecular consequence: missense variant. On other transcripts: intron variant (1).
Genome position (GRCh38, 1-based): chr2:24,826,083, A>G on the plus strand (T>C on the coding strand, the complement: ADCY3 is on the minus strand). VCF-style: chr2-24826083-A-G. GRCh37 (hg19) VCF-style: chr2-25048952-A-G.
Other names: c.2542T>C, p.Phe848Leu (NM_001320613.2); c.2605T>C, p.Phe869Leu (NM_001377128.1); c.2401T>C, p.Phe801Leu (NM_001377129.1); c.1816T>C, p.Phe606Leu (NM_001377131.1); c.2539T>C, p.Phe847Leu (NM_001377132.1); c.2173-1547T>C (NM_001377130.1); short protein forms F801L, F848L, F606L, F847L, F869L.
Identifiers: ClinVar variation 5001339 (VCV005001339.1).
Genomic context (GRCh38, chr2:24,826,083, plus strand): 5'-GGATCGTGCAGGCGGCACTCACGTGGCGGGAGAAGTAGTAGAAGCTGAGCATCATGAGGA[A>G]CACCATCACCGTCATAGAGTACTTGGAAGGCACCAGGGGCAGCCTGCTGGGCAGAGCGTG-3'
Protein context (NP_004027.2, residues 837-857): PSKYSMTVMV[Phe847Leu]LMMLSFYYFS

ClinVar aggregate classification (germline): Uncertain significance (1 of 4 stars; one submission).

Conditions:
ADCY3-related disorder. Also called: ADCY3-related condition.

Submission:

PreventionGenetics, part of Exact Sciences
Classification: Uncertain significance for ADCY3-related condition. Last evaluated: 2025-05-18. Review status: criteria provided, single submitter. Criteria: ACMG Guidelines, 2015. Collection method: clinical testing. Allele origin: germline.
Comment: The ADCY3 c.2542T>C variant is predicted to result in the amino acid substitution p.Phe848Leu. To our knowledge, this variant has not been reported in the literature or in a large population database (gnomAD), indicating this variant is rare. At this time, the clinical significance of this variant is uncertain due to the absence of conclusive functional and genetic evidence.